The following is an entry in ClinVar:

ClinVar aggregate classification (germline): Uncertain significance (1 of 4 stars; one submission).

Conditions:
Hypertrophic cardiomyopathy. Also called: HYPERTROPHIC MYOCARDIOPATHY. Identifiers: Orphanet 217569, MedGen C0007194, MeSH D002312, MONDO:0005045, HP:0001639.

Allele frequency attached by ClinVar (database versions not stated): gnomAD exomes below 0.00001 and 0.00001; ExAC 0.00001; gnomAD 0.00001.
gnomAD v4.1: 13 of 1,613,444 alleles (0.00081%); highest among the groups gnomAD compares: South Asian, 0.0055%; no homozygotes.

Submission:

Labcorp Genetics (formerly Invitae), Labcorp
Classification: Uncertain significance for Hypertrophic cardiomyopathy. Last evaluated: 2021-03-28. Review status: criteria provided, single submitter. Criteria: Invitae Variant Classification Sherloc (09022015). Collection method: clinical testing. Allele origin: germline.
Comment: In summary, the available evidence is currently insufficient to determine the role of this variant in disease. Therefore, it has been classified as a Variant of Uncertain Significance. Algorithms developed to predict the effect of missense changes on protein structure and function are either unavailable or do not agree on the potential impact of this missense change (SIFT: "Deleterious"; PolyPhen-2: "Probably Damaging"; Align-GVGD: "Class C0"). This variant has not been reported in the literature in individuals with MYOM1-related conditions. This variant is present in population databases (rs773263720, ExAC 0.009%). This sequence change replaces valine with methionine at codon 1636 of the MYOM1 protein (p.Val1636Met). The valine residue is moderately conserved and there is a small physicochemical difference between valine and methionine.

NM_003803.4(MYOM1):c.4906G>A (p.Val1636Met)

Gene: MYOM1 (myomesin 1; minus strand). Cytogenetic location: 18p11.31.
Variant type: single nucleotide variant.
Coding change: c.4906G>A on transcript NM_003803.4 (MANE Select); coding-DNA position 4906, G replaced by A.
Protein change: p.Val1636Met; replaces valine 1636 with methionine.
Molecular consequence: missense variant.
Genome position (GRCh38, 1-based): chr18:3,067,414, C>T on the plus strand (G>A on the coding strand, the complement: MYOM1 is on the minus strand). VCF-style: chr18-3067414-C-T. GRCh37 (hg19) VCF-style: chr18-3067412-C-T.
Other names: c.4618G>A, p.Val1540Met (NM_019856.2); short protein forms V1540M, V1636M.
Identifiers: ClinVar variation 1497787 (VCV001497787.8), dbSNP rs773263720, ClinGen allele CA8873730.